The following is an entry in ClinVar:

NM_002661.5(PLCG2):c.1868G>T (p.Arg623Leu)

Gene: PLCG2 (phospholipase C gamma 2; plus strand). Cytogenetic location: 16q23.3.
Variant type: single nucleotide variant.
Coding change: c.1868G>T on transcript NM_002661.5 (MANE Select); coding-DNA position 1868, G replaced by T.
Protein change: p.Arg623Leu; replaces arginine 623 with leucine.
Molecular consequence: missense variant.
Genome position (GRCh38, 1-based): chr16:81,910,654, G>T. VCF-style: chr16-81910654-G-T. GRCh37 (hg19) VCF-style: chr16-81944259-G-T.
Other names: short protein forms R623L.
Identifiers: ClinVar variation 1033527 (VCV001033527.1), dbSNP rs1909580178, ClinGen allele CA396901055.

ClinVar aggregate classification (germline): Uncertain significance (1 of 4 stars; one submission).

Conditions:
Autoinflammation-PLCG2-associated antibody deficiency-immune dysregulation. Also called: AUTOINFLAMMATION, ANTIBODY DEFICIENCY, AND IMMUNE DYSREGULATION; Autoinflammation, antibody deficiency, and immune dysregulation syndrome; Autoinflammation, antibody deficiency, and immune dysregulation, plcg2-associated. Identifiers: Orphanet 324530, MedGen C3553961, MONDO:0013944, OMIM 614878.

Submission:

Baylor Genetics
Classification: Uncertain significance for Autoinflammation-PLCG2-associated antibody deficiency-immune dysregulation. Last evaluated: 2018-06-30. Review status: criteria provided, single submitter. Criteria: ACMG Guidelines, 2015. Collection method: clinical testing. Allele origin: paternal. Affected: yes.
Comment: This variant was determined to be of uncertain significance according to ACMG Guidelines, 2015 [PMID:25741868].